The following is an entry in ClinVar:

ClinVar aggregate classification (germline): Uncertain significance (1 of 4 stars; one submission).

Conditions:
Malignant hyperthermia, susceptibility to, 1 (MHS1). Also called: Anesthesia related hyperthermia; Malignant hyperpyrexia; Fulminating hyperpyrexia; Pharmacogenic myopathy; RYR1-Related Malignant Hyperthermia Susceptibility; Malignant hyperthermia suceptibility 1. Identifiers: Orphanet 423, MedGen C2930980, MONDO:0007783, OMIM 145600.

Allele frequency attached by ClinVar (database versions not stated): gnomAD exomes 0.00001; ExAC 0.00002.
gnomAD v4.1: 8 of 1,614,088 alleles (0.0005%); highest among the groups gnomAD compares: Non-Finnish European, 0.00034%; no homozygotes.

Submission:

All of Us Research Program, National Institutes of Health
Classification: Uncertain significance for Malignant hyperthermia, susceptibility to, 1. Last evaluated: 2023-09-04. Review status: criteria provided, single submitter. Criteria: ACMG Guidelines, 2015. Collection method: clinical testing. Allele origin: germline. Inheritance: Autosomal dominant inheritance. Observed: 1 variant allele, 1 heterozygote.
Comment: This missense variant replaces asparagine with tyrosine at codon 4807 of the RYR1 protein. Computational prediction suggests that this variant may have deleterious impact on protein structure and function (internally defined REVEL score threshold >= 0.7, PMID: 27666373). To our knowledge, functional studies have not been reported for this variant. This variant has not been reported in individuals affected with RYR1-related disorders in the literature. This variant has been identified in 4/251478 chromosomes in the general population by the Genome Aggregation Database (gnomAD). The available evidence is insufficient to determine the role of this variant in disease conclusively. Therefore, this variant is classified as a Variant of Uncertain Significance.

This study involves interpretation of variants in research participants for the purpose of population health screening. Participant phenotype was not available at the time of variant classification. Additional details can be found in publication PMID: 35346344, PMCID: PMC8962531

NM_000540.3(RYR1):c.14419A>T (p.Asn4807Tyr)

Gene: RYR1 (ryanodine receptor 1; plus strand). Cytogenetic location: 19q13.2.
Variant type: single nucleotide variant.
Coding change: c.14419A>T on transcript NM_000540.3 (MANE Select); coding-DNA position 14419, A replaced by T.
Protein change: p.Asn4807Tyr; replaces asparagine 4807 with tyrosine.
Molecular consequence: missense variant.
Genome position (GRCh38, 1-based): chr19:38,580,036, A>T. VCF-style: chr19-38580036-A-T. GRCh37 (hg19) VCF-style: chr19-39070676-A-T.
Other names: c.14404A>T, p.Asn4802Tyr (NM_001042723.2); short protein forms N4802Y, N4807Y.
Identifiers: ClinVar variation 3073288 (VCV003073288.1), dbSNP rs756892883, ClinGen allele CA061252.